The following is an entry in ClinVar:

NM_016203.4(PRKAG2):c.17T>C (p.Met6Thr)

Gene: PRKAG2 (protein kinase AMP-activated non-catalytic subunit gamma 2; minus strand). Cytogenetic location: 7q36.1.
Variant type: single nucleotide variant.
Coding change: c.17T>C on transcript NM_016203.4 (MANE Select); coding-DNA position 17, T replaced by C.
Protein change: p.Met6Thr; replaces methionine 6 with threonine.
Molecular consequence: missense variant.
Genome position (GRCh38, 1-based): chr7:151,876,604, A>G on the plus strand (T>C on the coding strand, the complement: PRKAG2 is on the minus strand). VCF-style: chr7-151876604-A-G. GRCh37 (hg19) VCF-style: chr7-151573689-A-G.
Other names: c.17T>C, p.Met6Thr (NM_001407021.1, NM_001407022.1, NM_001407023.1 and 2 more transcripts); short protein forms M6T.
Identifiers: ClinVar variation 4758409 (VCV004758409.1).

ClinVar aggregate classification (germline): Uncertain significance (1 of 4 stars; one submission).

Conditions:
Cardiomyopathy (CMYO). Also called: Cardiomyopathies. Identifiers: Orphanet 167848, MedGen C0878544, MONDO:0004994, HP:0001638. Inheritance: Various modes of inheritance.

gnomAD v4.1: 3 of 1,609,622 alleles (0.00019%); highest among the groups gnomAD compares: Admixed American, 0.0033%; no homozygotes.

Submission:

Color Diagnostics, LLC DBA Color Health
Classification: Uncertain significance for Cardiomyopathy. Last evaluated: 2025-06-23. Review status: criteria provided, single submitter. Criteria: ACMG Guidelines, 2015. Collection method: clinical testing. Allele origin: germline.
Comment: This missense variant replaces methionine with threonine at codon 6 of the PRKAG2 protein. Computational prediction is inconclusive regarding the impact of this variant on protein structure and function. To our knowledge, functional studies have not been reported for this variant. This variant has not been reported in individuals affected with PRKAG2-related disorders in the literature. This variant has been identified in 3/248146 chromosomes in the general population by the Genome Aggregation Database (gnomAD). The available evidence is insufficient to determine the role of this variant in disease conclusively. Therefore, this variant is classified as a Variant of Uncertain Significance.